The following is an entry in ClinVar:

ClinVar aggregate classification (germline): Uncertain significance (1 of 4 stars; one submission).

gnomAD v4.1: 2 of 1,613,296 alleles (0.00012%); highest among the groups gnomAD compares: Admixed American, 0.0017%; no homozygotes.

Submission:

Labcorp Genetics (formerly Invitae), Labcorp
Classification: Uncertain significance. Last evaluated: 2022-07-20. Review status: criteria provided, single submitter. Criteria: Invitae Variant Classification Sherloc (09022015). Collection method: clinical testing. Allele origin: germline.
Comment: This variant is present in population databases (no rsID available, gnomAD 0.003%). In summary, the available evidence is currently insufficient to determine the role of this variant in disease. Therefore, it has been classified as a Variant of Uncertain Significance. Algorithms developed to predict the effect of missense changes on protein structure and function are either unavailable or do not agree on the potential impact of this missense change (SIFT: "Tolerated"; PolyPhen-2: "Possibly Damaging"; Align-GVGD: "Class C0"). This variant has not been reported in the literature in individuals affected with TUBGCP6-related conditions. This sequence change replaces leucine, which is neutral and non-polar, with glutamine, which is neutral and polar, at codon 23 of the TUBGCP6 protein (p.Leu23Gln).

NM_020461.4(TUBGCP6):c.68T>A (p.Leu23Gln)

Gene: TUBGCP6 (tubulin gamma complex component 6; minus strand). Cytogenetic location: 22q13.33.
Variant type: single nucleotide variant.
Coding change: c.68T>A on transcript NM_020461.4 (MANE Select); coding-DNA position 68, T replaced by A.
Protein change: p.Leu23Gln; replaces leucine 23 with glutamine.
Molecular consequence: missense variant.
Genome position (GRCh38, 1-based): chr22:50,244,392, A>T on the plus strand (T>A on the coding strand, the complement: TUBGCP6 is on the minus strand). VCF-style: chr22-50244392-A-T. GRCh37 (hg19) VCF-style: chr22-50682821-A-T.
Other names: short protein forms L23Q.
Identifiers: ClinVar variation 1937441 (VCV001937441.5), dbSNP rs746705594, ClinGen allele CA412117362.